The following is an entry in ClinVar:

ClinVar aggregate classification (germline): Uncertain significance (1 of 4 stars; one submission).

Allele frequency attached by ClinVar (database versions not stated): ExAC 0.00001.
gnomAD v4.1: 1 of 1,613,034 alleles (0.000062%); highest among the groups gnomAD compares: South Asian, 0.0011%; no homozygotes.

Submission:

Ambry Genetics
Classification: Uncertain significance. Last evaluated: 2022-09-20. Review status: criteria provided, single submitter. Criteria: Ambry Variant Classification Scheme 2023. Collection method: clinical testing. Allele origin: germline.
Comment: The p.C49G variant (also known as c.145T>G), located in coding exon 2 of the RECQL gene, results from a T to G substitution at nucleotide position 145. The cysteine at codon 49 is replaced by glycine, an amino acid with highly dissimilar properties. This amino acid position is conserved. In addition, this alteration is predicted to be tolerated by in silico analysis. Since supporting evidence is limited at this time, the clinical significance of this alteration remains unclear.

NM_002907.4(RECQL):c.145T>G (p.Cys49Gly)

Gene: RECQL (RecQ like helicase; minus strand). Cytogenetic location: 12p12.1.
Variant type: single nucleotide variant.
Coding change: c.145T>G on transcript NM_002907.4 (MANE Select); coding-DNA position 145, T replaced by G.
Protein change: p.Cys49Gly; replaces cysteine 49 with glycine.
Molecular consequence: missense variant.
Genome position (GRCh38, 1-based): chr12:21,491,588, A>C on the plus strand (T>G on the coding strand, the complement: RECQL is on the minus strand). VCF-style: chr12-21491588-A-C. GRCh37 (hg19) VCF-style: chr12-21644522-A-C.
Other names: c.145T>G, p.Cys49Gly (NM_032941.3); short protein forms C49G.
Identifiers: ClinVar variation 1773140 (VCV001773140.2), dbSNP rs761799998, ClinGen allele CA6479193.
Genomic context (GRCh38, chr12:21,491,588, plus strand): 5'-TCCAAGCGGCAGGTGAAGAATCATATTCATTGCTTGCCCCGGCATCAGAATCCTCTAAAC[A>C]CTGCTTTATTTTCTTTGTCAGGACTTTTTTTTTCTGAATAAGCTCTTGTTGCCTTTCCGT-3'
Protein context (NP_002898.2, residues 39-59): KKVLTKKIKQ[Cys49Gly]LEDSDAGASN